The following is an entry in ClinVar:

NM_017777.4(MKS1):c.148G>A (p.Asp50Asn)

Gene: MKS1 (MKS transition zone complex subunit 1; minus strand). Cytogenetic location: 17q22.
Variant type: single nucleotide variant.
Coding change: c.148G>A on transcript NM_017777.4 (MANE Select); coding-DNA position 148, G replaced by A.
Protein change: p.Asp50Asn; replaces aspartic acid 50 with asparagine.
Molecular consequence: missense variant. On other transcripts: 5 prime UTR variant (1).
Genome position (GRCh38, 1-based): chr17:58,218,662, C>T on the plus strand (G>A on the coding strand, the complement: MKS1 is on the minus strand). VCF-style: chr17-58218662-C-T. GRCh37 (hg19) VCF-style: chr17-56296023-C-T.
Other names: c.-364G>A (NM_001321268.2); c.148G>A, p.Asp50Asn (NM_001321269.2, NM_001330397.2, NM_001411113.1); short protein forms D50N.
Identifiers: ClinVar variation 2047732 (VCV002047732.1), dbSNP rs776363123, ClinGen allele CA8669636.

ClinVar aggregate classification (germline): Uncertain significance (1 of 4 stars; one submission).

Conditions:
Joubert syndrome. Also called: CEREBELLOPARENCHYMAL DISORDER IV; JOUBERT-BOLTSHAUSER SYNDROME; Familial aplasia of the vermis. Identifiers: Orphanet 475, MedGen C5979921, MONDO:0018772.
Meckel-Gruber syndrome. Also called: DYSENCEPHALIA SPLANCHNOCYSTICA; GRUBER SYNDROME; Dysencephalia splachnocystica. Identifiers: Orphanet 564, MedGen C0265215, MONDO:0018921.

Allele frequency attached by ClinVar (database versions not stated): ExAC 0.00001; gnomAD 0.00001; gnomAD exomes 0.00001.
gnomAD v4.1: 4 of 1,613,790 alleles (0.00025%); highest among the groups gnomAD compares: Admixed American, 0.0067%; no homozygotes.

Submission:

Labcorp Genetics (formerly Invitae), Labcorp
Classification: Uncertain significance for Joubert syndrome; Meckel-Gruber syndrome. Last evaluated: 2022-08-31. Review status: criteria provided, single submitter. Criteria: Invitae Variant Classification Sherloc (09022015). Collection method: clinical testing. Allele origin: germline.
Comment: This sequence change replaces aspartic acid, which is acidic and polar, with asparagine, which is neutral and polar, at codon 50 of the MKS1 protein (p.Asp50Asn). This variant is present in population databases (rs776363123, gnomAD 0.006%). This variant has not been reported in the literature in individuals affected with MKS1-related conditions. Advanced modeling of protein sequence and biophysical properties (such as structural, functional, and spatial information, amino acid conservation, physicochemical variation, residue mobility, and thermodynamic stability) performed at Invitae indicates that this missense variant is not expected to disrupt MKS1 protein function. In summary, the available evidence is currently insufficient to determine the role of this variant in disease. Therefore, it has been classified as a Variant of Uncertain Significance.